The following is an entry in ClinVar:

NM_032444.4(SLX4):c.1574G>A (p.Arg525His)

Gene: SLX4 (SLX4 structure-specific endonuclease subunit; minus strand). Cytogenetic location: 16p13.3.
Variant type: single nucleotide variant.
Coding change: c.1574G>A on transcript NM_032444.4 (MANE Select); coding-DNA position 1574, G replaced by A.
Protein change: p.Arg525His; replaces arginine 525 with histidine.
Molecular consequence: missense variant.
Genome position (GRCh38, 1-based): chr16:3,597,488, C>T on the plus strand (G>A on the coding strand, the complement: SLX4 is on the minus strand). VCF-style: chr16-3597488-C-T. GRCh37 (hg19) VCF-style: chr16-3647489-C-T.
Other names: short protein forms R525H.
Identifiers: ClinVar variation 951347 (VCV000951347.8), dbSNP rs756369289, ClinGen allele CA7866486.

ClinVar aggregate classification (germline): Uncertain significance. Review status: criteria provided, multiple submitters, no conflicts (2 of 4 stars). 2 submissions from 2 submitters: Uncertain significance (2). Last evaluated 2022-03-29.

Conditions:
Fanconi anemia (FA). Also called: Fanconi's anemia. Identifiers: Orphanet 84, MedGen C0015625, MeSH D005199, MONDO:0019391.
Fanconi anemia complementation group P. Also called: SLX4-Related Fanconi Anemia. Identifiers: Orphanet 84, MedGen C3469542, MONDO:0013499, OMIM 613951.

Allele frequency attached by ClinVar (database versions not stated): TOPMed 0.00001; gnomAD exomes 0.00002; ExAC 0.00003.
gnomAD v4.1: 40 of 1,613,950 alleles (0.0025%); highest among the groups gnomAD compares: Admixed American, 0.0067%; no homozygotes.

Submissions (2):

Labcorp Genetics (formerly Invitae), Labcorp
Classification: Uncertain significance for Fanconi anemia. Last evaluated: 2022-03-29. Review status: criteria provided, single submitter. Criteria: Invitae Variant Classification Sherloc (09022015). Collection method: clinical testing. Allele origin: germline.
Comment: This variant is present in population databases (rs756369289, gnomAD 0.009%). In summary, the available evidence is currently insufficient to determine the role of this variant in disease. Therefore, it has been classified as a Variant of Uncertain Significance. Algorithms developed to predict the effect of missense changes on protein structure and function (SIFT, PolyPhen-2, Align-GVGD) all suggest that this variant is likely to be tolerated. ClinVar contains an entry for this variant (Variation ID: 951347). This variant has not been reported in the literature in individuals affected with SLX4-related conditions. This sequence change replaces arginine, which is basic and polar, with histidine, which is basic and polar, at codon 525 of the SLX4 protein (p.Arg525His).

Fulgent Genetics
Classification: Uncertain significance for Fanconi anemia complementation group P. Last evaluated: 2021-10-11. Review status: criteria provided, single submitter. Criteria: ACMG Guidelines, 2015. Collection method: clinical testing. Allele origin: unknown.